The following is an entry in ClinVar:

ClinVar aggregate classification (germline): Likely benign. Review status: criteria provided, single submitter (1 of 4 stars). 2 submissions from 2 submitters: Likely benign (1). 1 of the submissions does not count toward it. Last evaluated 2025-09-08.

Conditions:
BCS1L-related disorder. Also called: BCS1L-related condition; BCS1L-related disorders. Identifiers: MedGen CN239240.

Allele frequency attached by ClinVar (database versions not stated): ESP Exome Variant Server 0.00015; gnomAD exomes 0.00003 and 0.00007; gnomAD 0.00004 and 0.00005; ExAC 0.00005; TOPMed 0.00008.

Submissions (2):

Labcorp Genetics (formerly Invitae), Labcorp
Classification: Likely benign. Last evaluated: 2025-09-08. Review status: criteria provided, single submitter. Criteria: Invitae Variant Classification Sherloc (09022015). Collection method: clinical testing. Allele origin: germline.

PreventionGenetics, part of Exact Sciences
Classification: Likely benign for BCS1L-related condition. Last evaluated: 2019-11-12. Review status: no assertion criteria provided. Collection method: clinical testing. Allele origin: germline. Not counted in ClinVar's aggregate classification.
Comment: This variant is classified as likely benign based on ACMG/AMP sequence variant interpretation guidelines (Richards et al. 2015 PMID: 25741868, with internal and published modifications).

NM_001079866.2(BCS1L):c.813C>T (p.Ser271=)

Gene: BCS1L (BCS1 ubiquinol-cytochrome c reductase complex chaperone; plus strand). Cytogenetic location: 2q35.
Variant type: single nucleotide variant.
Coding change: c.813C>T on transcript NM_001079866.2 (MANE Select); coding-DNA position 813, C replaced by T.
Protein change: p.Ser271=; no amino-acid change (serine 271 retained).
Molecular consequence: synonymous variant. On other transcripts: non-coding transcript variant (1).
Genome position (GRCh38, 1-based): chr2:218,662,603, C>T. VCF-style: chr2-218662603-C-T. GRCh37 (hg19) VCF-style: chr2-219527326-C-T.
Other names: c.813C>T, p.Ser271= (NM_001257342.2, NM_001257343.2, NM_001257344.2 and 10 more transcripts); c.453C>T, p.Ser151= (NM_001318836.2, NM_001371451.1); c.312C>T, p.Ser104= (NM_001371452.1, NM_001371453.1, NM_001371454.1 and 3 more transcripts).
Identifiers: ClinVar variation 792788 (VCV000792788.12), dbSNP rs146782209, ClinGen allele CA2109766.
Genomic context (GRCh38, chr2:218,662,603, plus strand): 5'-CTGCCTGCTGAGCCTCACGGACTCCAGCCTCTCTGATGACCGACTCAACCACCTGCTGAG[C>T]GTGGCCCCGCAGCAGAGCCTGGTACTCCTGGAGGATGTGGATGCTGCTTTTCTCAGTCGA-3'
Protein context (NP_001073335.1, residues 261-281): LSDDRLNHLL[Ser271=]VAPQQSLVLL